The following is an entry in ClinVar:

ClinVar aggregate classification (germline): Conflicting classifications of pathogenicity. Review status: criteria provided, conflicting classifications (1 of 4 stars). 4 submissions from 4 submitters: Uncertain significance (1); Benign (1); Likely benign (1). 1 of the submissions does not count toward it. Last evaluated 2024-12-11.

Conditions:
Spermatogenic failure, X-linked, 2 (SPGFX2). Also called: MALE INFERTILITY FROM DEFECT IN MEIOSIS. Identifiers: MedGen C1839841, MONDO:0010647, OMIM 309120.

Allele frequency attached by ClinVar (database versions not stated): 1000 Genomes Project 30x 0.00125; gnomAD 0.00169 and 0.00183; TOPMed 0.00187; ESP Exome Variant Server 0.00189; gnomAD exomes 0.00014 and 0.00036; ExAC 0.00041; 1000 Genomes Project 0.00106.
gnomAD v4.1: 350 of 1,202,574 alleles (0.029%); highest among the groups gnomAD compares: African/African-American, 0.55%; 1 homozygote.

Submissions (4):

Labcorp Genetics (formerly Invitae), Labcorp
Classification: Benign. Last evaluated: 2024-12-11. Review status: criteria provided, single submitter. Criteria: Invitae Variant Classification Sherloc (09022015). Collection method: clinical testing. Allele origin: germline.

Laboratory for Molecular Medicine, Mass General Brigham Personalized Medicine
Classification: Likely benign. Last evaluated: 2024-02-21. Review status: criteria provided, single submitter. Criteria: ACMG Guidelines, 2015. Collection method: clinical testing. Allele origin: germline.
Comment: The p.Ala698Thr variant in TEX11 is classified as likely benign because it has been identified in 0.55% (315/57191) of African chromosomes including 72 hemizygotes and 1 homozygote by gnomAD (v.4.0.0). In addition, computational prediction tools predict that this variant does not impact the protein. ACMG/AMP Criteria applied: BS1, BP4.

Mendelics
Classification: Uncertain significance. Last evaluated: 2022-05-04. Review status: criteria provided, single submitter. Criteria: Mendelics Assertion Criteria 2019. Collection method: clinical testing. Allele origin: germline.

OMIM
Classification: Pathogenic for SPERMATOGENIC FAILURE, X-LINKED, 2. Last evaluated: 2015-05-28. Review status: no assertion criteria provided. Collection method: literature only. Allele origin: germline. Not counted in ClinVar's aggregate classification.

Literature cited by the submitters: PubMed 25970010 (cited by OMIM).

NM_031276.3(TEX11):c.2047G>A (p.Ala683Thr)

Gene: TEX11 (testis expressed 11; minus strand). Cytogenetic location: Xq13.1.
Variant type: single nucleotide variant.
Coding change: c.2047G>A on transcript NM_031276.3 (MANE Select); coding-DNA position 2047, G replaced by A.
Protein change: p.Ala683Thr; replaces alanine 683 with threonine.
Molecular consequence: missense variant.
Genome position (GRCh38, 1-based): chrX:70,605,421, C>T on the plus strand (G>A on the coding strand, the complement: TEX11 is on the minus strand). VCF-style: chrX-70605421-C-T. GRCh37 (hg19) VCF-style: chrX-69825271-C-T.
Other names: c.2092G>A, p.Ala698Thr (NM_001003811.2); short protein forms A698T, A683T.
Identifiers: ClinVar variation 192380 (VCV000192380.8), dbSNP rs140984555, ClinGen allele CA200231.